The following is an entry in ClinVar:

ClinVar aggregate classification (germline): Likely benign. Review status: criteria provided, single submitter (1 of 4 stars). 2 submissions from 2 submitters: Likely benign (1). 1 of the submissions does not count toward it. Last evaluated 2023-08-23.

Conditions:
PCNT-related disorder. Also called: PCNT-related condition.

Allele frequency attached by ClinVar (database versions not stated): gnomAD exomes 0.00001.
gnomAD v4.1: 12 of 1,550,918 alleles (0.00077%); highest among the groups gnomAD compares: Non-Finnish European, 0.00098%; no homozygotes.

Submissions (2):

Labcorp Genetics (formerly Invitae), Labcorp
Classification: Likely benign. Last evaluated: 2023-08-23. Review status: criteria provided, single submitter. Criteria: Invitae Variant Classification Sherloc (09022015). Collection method: clinical testing. Allele origin: germline.

PreventionGenetics, part of Exact Sciences
Classification: Likely benign for PCNT-related condition. Last evaluated: 2023-03-01. Review status: no assertion criteria provided. Collection method: clinical testing. Allele origin: germline. Not counted in ClinVar's aggregate classification.
Comment: This variant is classified as likely benign based on ACMG/AMP sequence variant interpretation guidelines (Richards et al. 2015 PMID: 25741868, with internal and published modifications).

NM_006031.6(PCNT):c.9623+10A>G

Gene: PCNT (pericentrin; plus strand). Cytogenetic location: 21q22.3.
Variant type: single nucleotide variant.
Coding change: c.9623+10A>G on transcript NM_006031.6 (MANE Select); 10 bases into the intron after coding-DNA position 9623, A replaced by G.
Molecular consequence: intron variant.
Genome position (GRCh38, 1-based): chr21:46,441,094, A>G. VCF-style: chr21-46441094-A-G. GRCh37 (hg19) VCF-style: chr21-47861007-A-G.
Other names: c.9623+10A>G (NM_006031.5); c.9032+10A>G (NM_001315529.2).
Identifiers: ClinVar variation 3013061 (VCV003013061.4), dbSNP rs1219087968, ClinGen allele CA638499672.
Genomic context (GRCh38, chr21:46,441,094, plus strand): 5'-TCCTTTCACCAGGTTCCGCACGGCCGTCAGGGTGGTCATTGCAATATTAAGGTAAATGCC[A>G]TGACGTTCAGTCAGTGCGTTCCGCGTCTGTCTCCGTGAGTGGGCAGCACACTGCATGGTT-3'